The following is an entry in ClinVar:

ClinVar aggregate classification (germline): Uncertain significance (1 of 4 stars; one submission).

Conditions:
Facioscapulohumeral muscular dystrophy 2 (FSHD2). Also called: FACIOSCAPULOHUMERAL MUSCULAR DYSTROPHY 2, DIGENIC; FSHD2, DIGENIC; MUSCULAR DYSTROPHY, FACIOSCAPULOHUMERAL, TYPE 1B. Identifiers: Orphanet 269, MedGen C1834671, MONDO:0008031, OMIM 158901.

Allele frequency attached by ClinVar (database versions not stated): gnomAD exomes below 0.00001.
gnomAD v4.1: 1 of 1,604,070 alleles (0.000062%); highest among the groups gnomAD compares: Non-Finnish European, 0.000085%; no homozygotes.

Submission:

Labcorp Genetics (formerly Invitae), Labcorp
Classification: Uncertain significance for Facioscapulohumeral muscular dystrophy 2. Last evaluated: 2022-11-06. Review status: criteria provided, single submitter. Criteria: Invitae Variant Classification Sherloc (09022015). Collection method: clinical testing. Allele origin: germline.
Comment: This sequence change replaces valine, which is neutral and non-polar, with isoleucine, which is neutral and non-polar, at codon 1850 of the SMCHD1 protein (p.Val1850Ile). In summary, the available evidence is currently insufficient to determine the role of this variant in disease. Therefore, it has been classified as a Variant of Uncertain Significance. Algorithms developed to predict the effect of missense changes on protein structure and function are either unavailable or do not agree on the potential impact of this missense change (SIFT: "Deleterious"; PolyPhen-2: "Possibly Damaging"; Align-GVGD: "Class C0"). This variant has not been reported in the literature in individuals affected with SMCHD1-related conditions. This variant is not present in population databases (gnomAD no frequency).

NM_015295.3(SMCHD1):c.5548G>A (p.Val1850Ile)

Gene: SMCHD1 (structural maintenance of chromosomes flexible hinge domain containing 1; plus strand). Cytogenetic location: 18p11.32.
Variant type: single nucleotide variant.
Coding change: c.5548G>A on transcript NM_015295.3 (MANE Select); coding-DNA position 5548, G replaced by A.
Protein change: p.Val1850Ile; replaces valine 1850 with isoleucine.
Molecular consequence: missense variant.
Genome position (GRCh38, 1-based): chr18:2,784,450, G>A. VCF-style: chr18-2784450-G-A. GRCh37 (hg19) VCF-style: chr18-2784448-G-A.
Other names: short protein forms V1850I.
Identifiers: ClinVar variation 2812432 (VCV002812432.3), dbSNP rs1469039491, ClinGen allele CA401688146.
Genomic context (GRCh38, chr18:2,784,450, plus strand): 5'-CCTTTTTTGGAGCAGTTGAAATAAGTTGCTCACTACTTACTATTCACTTATTTACAATAG[G>A]TTGTTAAAATTACACACTGTCCTACACTGCTGACCAGAGATGGAGATCGAATTCGAAGTA-3'
Protein context (NP_056110.2, residues 1840-1860): LDAANHYRKE[Val1850Ile]VKITHCPTLL